The following is an entry in ClinVar:

ClinVar aggregate classification (germline): Uncertain significance. Review status: criteria provided, multiple submitters, no conflicts (2 of 4 stars). 2 submissions from 2 submitters: Uncertain significance (2). Last evaluated 2022-03-18.

Conditions:
Alpha-methylacyl-CoA racemase deficiency (AMACRD). Also called: AMACR deficiency. Identifiers: Orphanet 79095, MedGen C3280428, MONDO:0013681, OMIM 614307. Disease mechanism: loss of function.

Allele frequency attached by ClinVar (database versions not stated): TOPMed below 0.00001.

Submissions (2):

Labcorp Genetics (formerly Invitae), Labcorp
Classification: Uncertain significance for Alpha-methylacyl-CoA racemase deficiency. Last evaluated: 2022-03-18. Review status: criteria provided, single submitter. Criteria: Invitae Variant Classification Sherloc (09022015). Collection method: clinical testing. Allele origin: germline.
Comment: This sequence change replaces proline, which is neutral and non-polar, with leucine, which is neutral and non-polar, at codon 238 of the AMACR protein (p.Pro238Leu). This variant is not present in population databases (gnomAD no frequency). This variant has not been reported in the literature in individuals affected with AMACR-related conditions. Algorithms developed to predict the effect of missense changes on protein structure and function (SIFT, PolyPhen-2, Align-GVGD) all suggest that this variant is likely to be disruptive. In summary, the available evidence is currently insufficient to determine the role of this variant in disease. Therefore, it has been classified as a Variant of Uncertain Significance.

Mayo Clinic Laboratories, Mayo Clinic
Classification: Uncertain significance. Last evaluated: 2022-01-11. Review status: criteria provided, single submitter. Criteria: ACMG Guidelines, 2015. Collection method: clinical testing. Allele origin: germline.

NM_014324.6(AMACR):c.713C>T (p.Pro238Leu)

Genes: C1QTNF3-AMACR (C1QTNF3-AMACR readthrough (NMD candidate); minus strand), AMACR (alpha-methylacyl-CoA racemase; minus strand). Cytogenetic location: 5p13.2.
Variant type: single nucleotide variant.
Coding change: c.713C>T on transcript NM_014324.6 (MANE Select); coding-DNA position 713, C replaced by T.
Protein change: p.Pro238Leu; replaces proline 238 with leucine.
Molecular consequence: missense variant. On other transcripts: non-coding transcript variant (1), synonymous variant (1).
Genome position (GRCh38, 1-based): chr5:33,998,667, G>A on the plus strand (C>T on the coding strand, the complement: AMACR is on the minus strand). VCF-style: chr5-33998667-G-A. GRCh37 (hg19) VCF-style: chr5-33998772-G-A.
Other names: p.Pro238Leu; c.713C>T, p.Pro238Leu (NM_001167595.2); c.552C>T, p.Thr184= (NM_203382.3); short protein forms P238L.
Identifiers: ClinVar variation 1358927 (VCV001358927.6), dbSNP rs778295213, ClinGen allele CA359381205.
Genomic context (GRCh38, chr5:33,998,667, plus strand): 5'-GGGGAACTGGGGGAGACGCGTGAAGTTCACTTACCTTTGATCAGCAGCTCGTAGAACTGG[G>A]GTTCTATTGCTCCAACAGCCATGAATTCCCCATCTGCTGTCCTGTAAGTCGTATAGAAAG-3'
Protein context (NP_055139.4, residues 228-248): GEFMAVGAIE[Pro238Leu]QFYELLIKGL